The following is an entry in ClinVar:

ClinVar aggregate classification (germline): Likely pathogenic (1 of 4 stars; one submission).

Allele frequency attached by ClinVar (database versions not stated): gnomAD 0.00001.
gnomAD v4.1: 1 of 1,613,770 alleles (0.000062%); highest among the groups gnomAD compares: African/African-American, 0.0013%; no homozygotes.

Submission:

Labcorp Genetics (formerly Invitae), Labcorp
Classification: Likely pathogenic. Last evaluated: 2022-02-20. Review status: criteria provided, single submitter. Criteria: Invitae Variant Classification Sherloc (09022015). Collection method: clinical testing. Allele origin: germline.
Comment: In summary, the currently available evidence indicates that the variant is pathogenic, but additional data are needed to prove that conclusively. Therefore, this variant has been classified as Likely Pathogenic. Algorithms developed to predict the effect of sequence changes on RNA splicing suggest that this variant may disrupt the consensus splice site. This variant has not been reported in the literature in individuals affected with MYO18B-related conditions. This variant is not present in population databases (gnomAD no frequency). This sequence change affects a donor splice site in intron 40 of the MYO18B gene. It is expected to disrupt RNA splicing. Variants that disrupt the donor or acceptor splice site typically lead to a loss of protein function (PMID: 16199547), and loss-of-function variants in MYO18B are known to be pathogenic (PMID: 25748484, 32184166, 32637634).

Literature cited by the submitters: PubMed 16199547; PubMed 25748484; PubMed 32184166; PubMed 32637634.

NM_032608.7(MYO18B):c.6287+1G>A

Gene: MYO18B (myosin XVIIIB; plus strand). Cytogenetic location: 22q12.1.
Variant type: single nucleotide variant.
Coding change: c.6287+1G>A on transcript NM_032608.7 (MANE Select); the canonical splice donor site of the intron after coding-DNA position 6287, G replaced by A.
Molecular consequence: splice donor variant.
Genome position (GRCh38, 1-based): chr22:25,992,494, G>A. VCF-style: chr22-25992494-G-A. GRCh37 (hg19) VCF-style: chr22-26388460-G-A.
Other names: c.6290+1G>A (NM_001318245.2).
Identifiers: ClinVar variation 2176733 (VCV002176733.4), dbSNP rs2093280280, ClinGen allele CA411006439.